The following is an entry in ClinVar:

ClinVar aggregate classification (germline): Uncertain significance (1 of 4 stars; one submission).

Submission:

Labcorp Genetics (formerly Invitae), Labcorp
Classification: Uncertain significance. Last evaluated: 2022-07-05. Review status: criteria provided, single submitter. Criteria: Invitae Variant Classification Sherloc (09022015). Collection method: clinical testing. Allele origin: germline.
Comment: This sequence change replaces arginine, which is basic and polar, with lysine, which is basic and polar, at codon 1650 of the CCDC88A protein (p.Arg1650Lys). This variant is not present in population databases (gnomAD no frequency). This variant has not been reported in the literature in individuals affected with CCDC88A-related conditions. ClinVar contains an entry for this variant (Variation ID: 1482416). Algorithms developed to predict the effect of missense changes on protein structure and function output the following: SIFT: "Deleterious"; PolyPhen-2: "Benign"; Align-GVGD: "Class C0". The lysine amino acid residue is found in multiple mammalian species, which suggests that this missense change does not adversely affect protein function. In summary, the available evidence is currently insufficient to determine the role of this variant in disease. Therefore, it has been classified as a Variant of Uncertain Significance.

NM_001365480.1(CCDC88A):c.4952G>A (p.Arg1651Lys)

Gene: CCDC88A (coiled-coil domain containing 88A; minus strand). Cytogenetic location: 2p16.1.
Variant type: single nucleotide variant.
Coding change: c.4952G>A on transcript NM_001365480.1 (MANE Select); coding-DNA position 4952, G replaced by A.
Protein change: p.Arg1651Lys; replaces arginine 1651 with lysine.
Molecular consequence: missense variant.
Genome position (GRCh38, 1-based): chr2:55,296,397, C>T on the plus strand (G>A on the coding strand, the complement: CCDC88A is on the minus strand). VCF-style: chr2-55296397-C-T. GRCh37 (hg19) VCF-style: chr2-55523533-C-T.
Other names: c.4949G>A, p.Arg1650Lys (NM_001135597.2, NM_001254943.2); c.4868G>A, p.Arg1623Lys (NM_018084.5); short protein forms R1623K, R1650K, R1651K.
Identifiers: ClinVar variation 1482416 (VCV001482416.3), dbSNP rs1197226051, ClinGen allele CA346912546.
Genomic context (GRCh38, chr2:55,296,397, plus strand): 5'-ATCTTGTGATGTCGACTCTCCAGTGTTTCAGATATTTTGTGCTGGAGCACTGGGCTTGAT[C>T]TGGTCTGTCTTTTCAAGTACTGGATTGGACTGCTACCACTGCTGGACCAAGCCTCATGGT-3'
Protein context (NP_001352409.1, residues 1641-1661): SPIQYLKRQT[Arg1651Lys]SSPVLQHKIS